The following is an entry in ClinVar:

NM_001330260.2(SCN8A):c.4795+11T>C

Gene: SCN8A (sodium voltage-gated channel alpha subunit 8; plus strand). Cytogenetic location: 12q13.13.
Variant type: single nucleotide variant.
Coding change: c.4795+11T>C on transcript NM_001330260.2 (MANE Select); 11 bases into the intron after coding-DNA position 4795, T replaced by C.
Molecular consequence: intron variant.
Genome position (GRCh38, 1-based): chr12:51,794,652, T>C. VCF-style: chr12-51794652-T-C. GRCh37 (hg19) VCF-style: chr12-52188436-T-C.
Other names: c.4795+11T>C (NM_014191.4); c.4672+11T>C (NM_001177984.3, NM_001369788.1).
Identifiers: ClinVar variation 139074 (VCV000139074.12), dbSNP rs143139673, ClinGen allele CA293427.

ClinVar aggregate classification (germline): Benign. Review status: criteria provided, multiple submitters, no conflicts (2 of 4 stars). 3 submissions from 3 submitters: Benign (3). Last evaluated 2026-02-02.

Conditions:
Early-infantile DEE. Also called: Early infantile epileptic encephalopathy with suppression bursts; Ohtahara syndrome; Early infantile epileptic encephalopathy. Identifiers: Orphanet 1934, MedGen C0393706, MONDO:0800491.

Allele frequency attached by ClinVar (database versions not stated): ExAC 0.00397; gnomAD 0.01071 and 0.01136; ESP Exome Variant Server 0.01096; TOPMed 0.01176; 1000 Genomes Project 0.01298; 1000 Genomes Project 30x 0.01421.
gnomAD v4.1: 3,703 of 1,612,566 alleles (0.23%); highest among the groups gnomAD compares: African/African-American, 3.4%; 55 homozygotes.

Submissions (3):

Labcorp Genetics (formerly Invitae), Labcorp
Classification: Benign for Early-infantile DEE. Last evaluated: 2026-02-02. Review status: criteria provided, single submitter. Criteria: Invitae Variant Classification Sherloc (09022015). Collection method: clinical testing. Allele origin: germline.

GeneDx
Classification: Benign. Last evaluated: 2014-05-12. Review status: criteria provided, single submitter. Criteria: GeneDx Variant Classification (06012015). Collection method: clinical testing. Allele origin: germline. Affected: yes.
Comment: This variant is considered likely benign or benign based on one or more of the following criteria: it is a conservative change, it occurs at a poorly conserved position in the protein, it is predicted to be benign by multiple in silico algorithms, and/or has population frequency not consistent with disease.

Breakthrough Genomics
Classification: Benign. Review status: criteria provided, single submitter. Criteria: ACMG Guidelines, 2015. Collection method: not provided. Allele origin: germline. Inheritance: Autosomal dominant inheritance. Affected: yes.